The following is an entry in ClinVar:

ClinVar aggregate classification (germline): Uncertain significance. Review status: criteria provided, multiple submitters, no conflicts (2 of 4 stars). 2 submissions from 2 submitters: Uncertain significance (2). Last evaluated 2024-11-27.

Conditions:
POLD1-related polyposis and colorectal cancer syndrome (CRCS10). Also called: COLORECTAL CANCER, SUSCEPTIBILITY TO, ON CHROMOSOME 19q; Colorectal cancer 10; Colorectal cancer, susceptibility to, 10. Identifiers: Orphanet 220460, MedGen C2675481, MONDO:0012953, OMIM 612591.
Hereditary cancer-predisposing syndrome. Also called: Neoplastic Syndromes, Hereditary; Tumor predisposition; Hereditary neoplastic syndrome; Hereditary Cancer Syndrome. Identifiers: Orphanet 140162, MedGen C0027672, MeSH D009386, MONDO:0015356.

Allele frequency attached by ClinVar (database versions not stated): gnomAD 0.00001.
gnomAD v4.1: 1 of 1,613,804 alleles (0.000062%); highest among the groups gnomAD compares: African/African-American, 0.0013%; no homozygotes.

Submissions (2):

Labcorp Genetics (formerly Invitae), Labcorp
Classification: Uncertain significance for POLD1-related polyposis and colorectal cancer syndrome. Last evaluated: 2024-11-27. Review status: criteria provided, single submitter. Criteria: Invitae Variant Classification Sherloc (09022015). Collection method: clinical testing. Allele origin: germline.
Comment: This sequence change replaces phenylalanine, which is neutral and non-polar, with leucine, which is neutral and non-polar, at codon 148 of the POLD1 protein (p.Phe148Leu). This variant is present in population databases (no rsID available, gnomAD 0.01%). This variant has not been reported in the literature in individuals affected with POLD1-related conditions. ClinVar contains an entry for this variant (Variation ID: 1740549). Invitae Evidence Modeling of protein sequence and biophysical properties (such as structural, functional, and spatial information, amino acid conservation, physicochemical variation, residue mobility, and thermodynamic stability) indicates that this missense variant is not expected to disrupt POLD1 protein function with a negative predictive value of 80%. In summary, the available evidence is currently insufficient to determine the role of this variant in disease. Therefore, it has been classified as a Variant of Uncertain Significance.

Ambry Genetics
Classification: Uncertain significance for Hereditary cancer-predisposing syndrome. Last evaluated: 2021-06-13. Review status: criteria provided, single submitter. Criteria: Ambry Variant Classification Scheme 2023. Collection method: clinical testing. Allele origin: germline.
Comment: The p.F148L variant (also known as c.442T>C), located in coding exon 3 of the POLD1 gene, results from a T to C substitution at nucleotide position 442. The phenylalanine at codon 148 is replaced by leucine, an amino acid with highly similar properties. This amino acid position is conserved. In addition, this alteration is predicted to be tolerated by in silico analysis. Since supporting evidence is limited at this time, the clinical significance of this alteration remains unclear.

NM_002691.4(POLD1):c.442T>C (p.Phe148Leu)

Gene: POLD1 (DNA polymerase delta 1, catalytic subunit; plus strand). Cytogenetic location: 19q13.33.
Variant type: single nucleotide variant.
Coding change: c.442T>C on transcript NM_002691.4 (MANE Select); coding-DNA position 442, T replaced by C.
Protein change: p.Phe148Leu; replaces phenylalanine 148 with leucine.
Molecular consequence: missense variant. On other transcripts: non-coding transcript variant (1).
Genome position (GRCh38, 1-based): chr19:50,401,903, T>C. VCF-style: chr19-50401903-T-C. GRCh37 (hg19) VCF-style: chr19-50905160-T-C.
Other names: c.442T>C, p.Phe148Leu (NM_001256849.1, NM_001308632.1); short protein forms F148L.
Identifiers: ClinVar variation 1740549 (VCV001740549.4), dbSNP rs1412205948, ClinGen allele CA406972696.